The following is an entry in ClinVar:

NM_001256627.2(BRSK2):c.664C>A (p.Arg222=)

Gene: BRSK2 (BR serine/threonine kinase 2; plus strand). Cytogenetic location: 11p15.5.
Variant type: single nucleotide variant.
Coding change: c.664C>A on transcript NM_001256627.2 (MANE Select); coding-DNA position 664, C replaced by A.
Protein change: p.Arg222=; no amino-acid change (arginine 222 retained).
Molecular consequence: synonymous variant. On other transcripts: non-coding transcript variant (1).
Genome position (GRCh38, 1-based): chr11:1,443,519, C>A. VCF-style: chr11-1443519-C-A. GRCh37 (hg19) VCF-style: chr11-1464749-C-A.
Other names: c.664C>A, p.Arg222= (NM_001256629.2, NM_003957.4); c.802C>A, p.Arg268= (NM_001256630.1); c.484C>A, p.Arg162= (NM_001282218.2).
Identifiers: ClinVar variation 3390246 (VCV003390246.14).

ClinVar aggregate classification (germline): Likely benign (1 of 4 stars; one submission).

gnomAD v4.1: 12 of 1,606,098 alleles (0.00075%); highest among the groups gnomAD compares: Admixed American, 0.017%; no homozygotes.

Submission:

CeGaT Center for Human Genetics Tuebingen
Classification: Likely benign. Last evaluated: 2024-12-01. Review status: criteria provided, single submitter. Criteria: CeGaT Center For Human Genetics Tuebingen Variant Classification Criteria Version 2. Collection method: clinical testing. Allele origin: germline. Affected: yes. Observed: 1 variant allele.
Comment: BRSK2: BP7